The following is an entry in ClinVar:

ClinVar aggregate classification (germline): Uncertain significance (1 of 4 stars; one submission).

Allele frequency attached by ClinVar (database versions not stated): gnomAD exomes below 0.00001; TOPMed 0.00002; gnomAD 0.00003.
gnomAD v4.1: 11 of 1,602,160 alleles (0.00069%); highest among the groups gnomAD compares: Admixed American, 0.0084%; no homozygotes.

Submission:

Greenwood Genetic Center Diagnostic Laboratories, Greenwood Genetic Center
Classification: Uncertain significance. Last evaluated: 2024-03-26. Review status: criteria provided, single submitter. Criteria: ACMG Guidelines, 2015. Collection method: clinical testing. Allele origin: germline. Affected: yes.
Comment: PM2

NM_001378778.1(MPDZ):c.4293-5T>G

Gene: MPDZ (multiple PDZ domain crumbs cell polarity complex component; minus strand). Cytogenetic location: 9p23.
Variant type: single nucleotide variant.
Coding change: c.4293-5T>G on transcript NM_001378778.1 (MANE Select); 5 bases into the intron before coding-DNA position 4293, T replaced by G.
Molecular consequence: intron variant.
Genome position (GRCh38, 1-based): chr9:13,136,187, A>C on the plus strand (T>G on the coding strand, the complement: MPDZ is on the minus strand). VCF-style: chr9-13136187-A-C. GRCh37 (hg19) VCF-style: chr9-13136186-A-C.
Other names: c.4083-5T>G (NM_001375425.1, NM_001375420.1, NM_001375423.1 and 4 more transcripts); c.4194-5T>G (NM_001375419.1, NM_001375416.1, NM_001375418.1 and 3 more transcripts); c.4293-5T>G (NM_001330637.2, NM_003829.5, NM_001375413.1); c.3885-5T>G (NM_001375427.1).
Identifiers: ClinVar variation 3235817 (VCV003235817.1), dbSNP rs1388481689, ClinGen allele CA860488780.